The following is an entry in ClinVar:

ClinVar aggregate classification (germline): Pathogenic (1 of 4 stars; one submission).

Submission:

ARUP Laboratories, Molecular Genetics and Genomics, ARUP Laboratories
Classification: Pathogenic. Last evaluated: 2024-11-04. Review status: criteria provided, single submitter. Criteria: ARUP Molecular Germline Variant Investigation Process 2024. Collection method: clinical testing. Allele origin: germline.
Comment: The F8 c.344T>C; p.Val115Ala variant (rs1165030572), also known as V96A in traditional nomenclature, is reported in the literature in several individuals affected with mild to moderate hemophilia A (Bernardo 2022, Johnsen 2017, Miller 2012, Rydz 2013). This variant is absent from the Genome Aggregation Database (v2.1.1), indicating it is not a common polymorphism. Computational analyses predict that this variant is deleterious (REVEL: 0.812). Based on available information, this variant is considered to be pathogenic References: Bernardo A et al. Applicability of the Thrombin Generation Test to Evaluate the Hemostatic Status of Hemophilia A Patients in Daily Clinical Practice. J Clin Med. 2022 Jun 10;11(12):3345. PMID: 35743412. Johnsen JM et al. Novel approach to genetic analysis and results in 3000 hemophilia patients enrolled in the My Life, Our Future initiative. Blood Adv. 2017 May 18;1(13):824-834. PMID: 29296726. Miller CH et al. F8 and F9 mutations in US haemophilia patients: correlation with history of inhibitor and race/ethnicity. Haemophilia. 2012 May;18(3):375-82. PMID: 22103590. Rydz N et al. The Canadian "National Program for hemophilia mutation testing" database: a ten-year review. Am J Hematol. 2013 Dec;88(12):1030-4. PMID: 23913812.

NM_000132.4(F8):c.344T>C (p.Val115Ala)

Gene: F8 (coagulation factor VIII; minus strand). Cytogenetic location: Xq28.
Variant type: single nucleotide variant.
Coding change: c.344T>C on transcript NM_000132.4 (MANE Select); coding-DNA position 344, T replaced by C.
Protein change: p.Val115Ala; replaces valine 115 with alanine.
Molecular consequence: missense variant.
Genome position (GRCh38, 1-based): chrX:154,997,017, A>G on the plus strand (T>C on the coding strand, the complement: F8 is on the minus strand). VCF-style: chrX-154997017-A-G. GRCh37 (hg19) VCF-style: chrX-154225292-A-G.
Other names: short protein forms V115A.
Identifiers: ClinVar variation 3767075 (VCV003767075.1).
Genomic context (GRCh38, chrX:154,997,017, plus strand): 5'-AGGGTATTTTACTCACCCTCAGAAGCTTTCCAGTAGGATACACCAACAGCATGAAGACTG[A>G]CAGGATGGGAAGCCATGTTCTTAAGTGTAATGACCACTGTATCATAAACCTCAGCCTGGA-3'
Protein context (NP_000123.1, residues 105-125): ITLKNMASHP[Val115Ala]SLHAVGVSYW